The following is an entry in ClinVar:

ClinVar aggregate classification (germline): Benign/Likely benign. Review status: criteria provided, multiple submitters, no conflicts (2 of 4 stars). 3 submissions from 3 submitters: Benign (1); Likely benign (2). Last evaluated 2025-05-28.

Conditions:
Tuberous sclerosis 2 (TSC2). Identifiers: Orphanet 805, MedGen C1860707, MONDO:0013199, OMIM 613254.
Hereditary cancer-predisposing syndrome. Also called: Hereditary neoplastic syndrome; Neoplastic Syndromes, Hereditary; Tumor predisposition; Hereditary Cancer Syndrome. Identifiers: Orphanet 140162, MedGen C0027672, MeSH D009386, MONDO:0015356.

Allele frequency attached by ClinVar (database versions not stated): gnomAD exomes 0.00001.
gnomAD v4.1: 7 of 1,611,310 alleles (0.00043%); highest among the groups gnomAD compares: South Asian, 0.0011%; no homozygotes.

Submissions (3):

Myriad Genetics, Inc.
Classification: Benign for Tuberous sclerosis 2. Last evaluated: 2025-05-28. Review status: criteria provided, single submitter. Criteria: Myriad Autosomal Dominant, Autosomal Recessive and X-Linked Classification Criteria (2023). Collection method: clinical testing. Allele origin: unknown.
Comment: This variant is considered benign. This variant is a silent/synonymous amino acid change and it is not expected to impact splicing.

Labcorp Genetics (formerly Invitae), Labcorp
Classification: Likely benign for Tuberous sclerosis 2. Last evaluated: 2024-11-18. Review status: criteria provided, single submitter. Criteria: Invitae Variant Classification Sherloc (09022015). Collection method: clinical testing. Allele origin: germline.

Ambry Genetics
Classification: Likely benign for Hereditary cancer-predisposing syndrome. Last evaluated: 2022-03-21. Review status: criteria provided, single submitter. Criteria: Ambry Variant Classification Scheme 2023. Collection method: clinical testing. Allele origin: germline.

NM_000548.5(TSC2):c.3303T>C (p.His1101=)

Gene: TSC2 (TSC complex subunit 2; plus strand). Cytogenetic location: 16p13.3.
Variant type: single nucleotide variant.
Coding change: c.3303T>C on transcript NM_000548.5 (MANE Select); coding-DNA position 3303, T replaced by C.
Protein change: p.His1101=; no amino-acid change (histidine 1101 retained).
Molecular consequence: synonymous variant.
Genome position (GRCh38, 1-based): chr16:2,079,575, T>C. VCF-style: chr16-2079575-T-C. GRCh37 (hg19) VCF-style: chr16-2129576-T-C.
Other names: c.3171T>C, p.His1057= (NM_001077183.3, NM_001370404.1); c.3303T>C, p.His1101= (NM_001114382.3); c.3063T>C, p.His1021= (NM_001318827.2); c.3027T>C, p.His1009= (NM_001318829.2); c.2571T>C, p.His857= (NM_001318831.2); c.3204T>C, p.His1068= (NM_001318832.2); c.3174T>C, p.His1058= (NM_001363528.2, NM_001370405.1, NM_021055.3).
Identifiers: ClinVar variation 468001 (VCV000468001.14), dbSNP rs1233334406, ClinGen allele CA492955231.